The following is an entry in ClinVar:

NM_001042492.3(NF1):c.3380C>T (p.Thr1127Ile)

Gene: NF1 (neurofibromin 1; plus strand). Cytogenetic location: 17q11.2.
Variant type: single nucleotide variant.
Coding change: c.3380C>T on transcript NM_001042492.3 (MANE Select); coding-DNA position 3380, C replaced by T.
Protein change: p.Thr1127Ile; replaces threonine 1127 with isoleucine.
Molecular consequence: missense variant.
Genome position (GRCh38, 1-based): chr17:31,232,765, C>T. VCF-style: chr17-31232765-C-T. GRCh37 (hg19) VCF-style: chr17-29559783-C-T.
Other names: c.3380C>T, p.Thr1127Ile (NM_000267.4); short protein forms T1127I.
Identifiers: ClinVar variation 3237728 (VCV003237728.4), dbSNP rs562110311.

ClinVar aggregate classification (germline): Conflicting classifications of pathogenicity. Review status: criteria provided, conflicting classifications (1 of 4 stars). 3 submissions from 3 submitters: Uncertain significance (2); Likely benign (1). Last evaluated 2026-04-17.

Conditions:
Neurofibromatosis, type 1 (NF1). Also called: VON RECKLINGHAUSEN DISEASE; NEUROFIBROMATOSIS, TYPE I, SOMATIC; Peripheral type neurofibromatosis; Neurofibromatosis, type I. Identifiers: Orphanet 636, MedGen C0027831, MONDO:0018975, OMIM 162200. Disease mechanism: loss of function.
Cardiovascular phenotype. Identifiers: MedGen CN230736.
Hereditary cancer-predisposing syndrome. Also called: Neoplastic Syndromes, Hereditary; Tumor predisposition; Hereditary Cancer Syndrome; Hereditary neoplastic syndrome. Identifiers: Orphanet 140162, MedGen C0027672, MeSH D009386, MONDO:0015356.

Allele frequency attached by ClinVar (database versions not stated): 1000 Genomes Project 30x 0.00016; ExAC 0.00001; gnomAD 0.00001; 1000 Genomes Project 0.00020.
gnomAD v4.1: 4 of 1,613,754 alleles (0.00025%); highest among the groups gnomAD compares: South Asian, 0.0044%; no homozygotes.

Submissions (3):

Ambry Genetics
Classification: Likely benign for Cardiovascular phenotype; Hereditary cancer-predisposing syndrome. Last evaluated: 2026-04-17. Review status: criteria provided, single submitter. Criteria: Ambry Variant Classification Scheme 2023. Collection method: clinical testing. Allele origin: germline.

Labcorp Genetics (formerly Invitae), Labcorp
Classification: Uncertain significance for Neurofibromatosis, type 1. Last evaluated: 2025-07-03. Review status: criteria provided, single submitter. Criteria: Invitae Variant Classification Sherloc (09022015). Collection method: clinical testing. Allele origin: germline.
Comment: This sequence change replaces threonine, which is neutral and polar, with isoleucine, which is neutral and non-polar, at codon 1127 of the NF1 protein (p.Thr1127Ile). This variant is present in population databases (rs562110311, gnomAD 0.003%). This variant has not been reported in the literature in individuals affected with NF1-related conditions. ClinVar contains an entry for this variant (Variation ID: 3237728). Invitae Evidence Modeling of protein sequence and biophysical properties (such as structural, functional, and spatial information, amino acid conservation, physicochemical variation, residue mobility, and thermodynamic stability) indicates that this missense variant is not expected to disrupt NF1 protein function with a negative predictive value of 95%. In summary, the available evidence is currently insufficient to determine the role of this variant in disease. Therefore, it has been classified as a Variant of Uncertain Significance.

Quest Diagnostics Nichols Institute San Juan Capistrano
Classification: Uncertain significance. Last evaluated: 2024-08-12. Review status: criteria provided, single submitter. Criteria: Quest Diagnostics criteria. Collection method: clinical testing. Allele origin: unknown.